The following is an entry in ClinVar:

NM_003846.3(PEX11B):c.375-5A>G

Gene: PEX11B (peroxisomal biogenesis factor 11 beta; minus strand). Cytogenetic location: 1q21.1.
Variant type: single nucleotide variant.
Coding change: c.375-5A>G on transcript NM_003846.3 (MANE Select); 5 bases into the intron before coding-DNA position 375, A replaced by G.
Molecular consequence: intron variant.
Genome position (GRCh38, 1-based): chr1:145,912,571, T>C on the plus strand (A>G on the coding strand, the complement: PEX11B is on the minus strand). VCF-style: chr1-145912571-T-C. GRCh37 (hg19) VCF-style: chr1-145522509-A-G.
Other names: c.333-5A>G (NM_001184795.1).
Identifiers: ClinVar variation 1945966 (VCV001945966.7), dbSNP rs1657858393, ClinGen allele CA1198775274.

ClinVar aggregate classification (germline): Conflicting classifications of pathogenicity. Review status: criteria provided, conflicting classifications (1 of 4 stars). 3 submissions from 3 submitters: Uncertain significance (1); Likely benign (2). Last evaluated 2025-01-21.

Conditions:
Inborn genetic diseases. Identifiers: MedGen C0950123, MeSH D030342.
PEX11B-related disorder. Also called: PEX11B-related condition.

Allele frequency attached by ClinVar (database versions not stated): gnomAD exomes below 0.00001; TOPMed 0.00002.
gnomAD v4.1: 3 of 1,478,568 alleles (0.0002%); highest among the groups gnomAD compares: Admixed American, 0.0048%; no homozygotes.

Submissions (3):

PreventionGenetics, part of Exact Sciences
Classification: Likely benign for PEX11B-related condition. Last evaluated: 2025-01-21. Review status: criteria provided, single submitter. Criteria: ACMG Guidelines, 2015. Collection method: clinical testing. Allele origin: germline.
Comment: This variant is classified as likely benign based on ACMG/AMP sequence variant interpretation guidelines (Richards et al. 2015 PMID: 25741868, with internal and published modifications).

Labcorp Genetics (formerly Invitae), Labcorp
Classification: Likely benign. Last evaluated: 2024-05-13. Review status: criteria provided, single submitter. Criteria: Invitae Variant Classification Sherloc (09022015). Collection method: clinical testing. Allele origin: germline.

Ambry Genetics
Classification: Uncertain significance for Inborn genetic diseases. Last evaluated: 2021-06-18. Review status: criteria provided, single submitter. Criteria: Ambry Variant Classification Scheme 2023. Collection method: clinical testing. Allele origin: germline.
Comment: The c.375-5A>G intronic alteration consists of a A to G substitution 5 nucleotides before coding exon 4 in the PEX11B gene. Based on insufficient or conflicting evidence, the clinical significance of this alteration remains unclear.